The following is an entry in ClinVar:

NM_005026.5(PIK3CD):c.2281A>C (p.Ile761Leu)

Gene: PIK3CD (phosphatidylinositol-4,5-bisphosphate 3-kinase catalytic subunit delta; plus strand). Cytogenetic location: 1p36.22.
Variant type: single nucleotide variant.
Coding change: c.2281A>C on transcript NM_005026.5 (MANE Select); coding-DNA position 2281, A replaced by C.
Protein change: p.Ile761Leu; replaces isoleucine 761 with leucine.
Molecular consequence: missense variant.
Genome position (GRCh38, 1-based): chr1:9,722,290, A>C. VCF-style: chr1-9722290-A-C. GRCh37 (hg19) VCF-style: chr1-9782348-A-C.
Other names: c.2278A>C, p.Ile760Leu (NM_001350234.2); c.2194A>C, p.Ile732Leu (NM_001350235.1); short protein forms I760L, I761L, I732L.
Identifiers: ClinVar variation 3666213 (VCV003666213.2).

ClinVar aggregate classification (germline): Uncertain significance (1 of 4 stars; one submission).

Conditions:
Immunodeficiency 14 (IMD14A). Also called: IMMUNODEFICIENCY 14A WITH LYMPHOPROLIFERATION, AUTOSOMAL DOMINANT; p110-DELTA-ACTIVATING MUTATION CAUSING SENESCENT T CELLS, LYMPHADENOPATHY, AND IMMUNODEFICIENCY; ACTIVATED PI3K-DELTA SYNDROME 1; Activated PI3K Delta Syndrome Type 1 (APDS1). Identifiers: Orphanet 397596, Orphanet 693661, MedGen C5907821, MONDO:0014222, OMIM 615513.

Submission:

Labcorp Genetics (formerly Invitae), Labcorp
Classification: Uncertain significance for Activated PI3K-delta syndrome. Last evaluated: 2024-12-31. Review status: criteria provided, single submitter. Criteria: Invitae Variant Classification Sherloc (09022015). Collection method: clinical testing. Allele origin: germline.
Comment: This sequence change replaces isoleucine, which is neutral and non-polar, with leucine, which is neutral and non-polar, at codon 761 of the PIK3CD protein (p.Ile761Leu). This variant is not present in population databases (gnomAD no frequency). This variant has not been reported in the literature in individuals affected with PIK3CD-related conditions. Invitae Evidence Modeling of protein sequence and biophysical properties (such as structural, functional, and spatial information, amino acid conservation, physicochemical variation, residue mobility, and thermodynamic stability) indicates that this missense variant is not expected to disrupt PIK3CD protein function with a negative predictive value of 80%. In summary, the available evidence is currently insufficient to determine the role of this variant in disease. Therefore, it has been classified as a Variant of Uncertain Significance.